The following is an entry in ClinVar:

NM_005633.4(SOS1):c.3524A>C (p.His1175Pro)

Gene: SOS1 (SOS Ras/Rac guanine nucleotide exchange factor 1; minus strand). Cytogenetic location: 2p22.1.
Variant type: single nucleotide variant.
Coding change: c.3524A>C on transcript NM_005633.4 (MANE Select); coding-DNA position 3524, A replaced by C.
Protein change: p.His1175Pro; replaces histidine 1175 with proline.
Molecular consequence: missense variant.
Genome position (GRCh38, 1-based): chr2:38,986,302, T>G on the plus strand (A>C on the coding strand, the complement: SOS1 is on the minus strand). VCF-style: chr2-38986302-T-G. GRCh37 (hg19) VCF-style: chr2-39213443-T-G.
Other names: p.H1175P:CAT>CCT; c.3503A>C, p.His1168Pro (NM_001382394.1); c.3479A>C, p.His1160Pro (NM_001382395.1); short protein forms H1175P, H1160P, H1168P.
Identifiers: ClinVar variation 40732 (VCV000040732.14), dbSNP rs730881035, ClinGen allele CA297237.

ClinVar aggregate classification (germline): Conflicting classifications of pathogenicity. Review status: criteria provided, conflicting classifications (1 of 4 stars). 8 submissions from 7 submitters: Uncertain significance (7); Likely benign (1). Last evaluated 2025-12-22.

Conditions:
SOS1-related disorder. Also called: SOS1-related condition.
Cardiovascular phenotype. Identifiers: MedGen CN230736.
Fibromatosis, gingival, 1 (GINGF1). Identifiers: Orphanet 2024, MedGen C4551558, MONDO:0007609, OMIM 135300.
Noonan syndrome 4 (NS4). Also called: SOS1-Related Noonan Syndrome; NOONAN SYNDROME WITH PIGMENTED VILLONODULAR SYNOVITIS. Identifiers: Orphanet 648, MedGen C1853120, MONDO:0012547, OMIM 610733.
RASopathy. Also called: rasopathies; Noonan spectrum disorder. Identifiers: Orphanet 536391, MedGen C5555857, MONDO:0021060.

Allele frequency attached by ClinVar (database versions not stated): gnomAD 0.00001; TOPMed 0.00001.

Submissions (8):

PreventionGenetics, part of Exact Sciences
Classification: Uncertain significance for SOS1-related condition. Last evaluated: 2025-12-22. Review status: criteria provided, single submitter. Criteria: ACMG Guidelines, 2015. Collection method: clinical testing. Allele origin: germline.
Comment: The SOS1 c.3524A>C variant is predicted to result in the amino acid substitution p.His1175Pro. To our knowledge, this variant has not been reported in the literature. This variant is reported in 0.0065% of alleles in individuals of European (Non-Finnish) descent in gnomAD. At this time, the clinical significance of this variant is uncertain due to the absence of conclusive functional and genetic evidence.

Labcorp Genetics (formerly Invitae), Labcorp
Classification: Likely benign for RASopathy. Last evaluated: 2025-11-10. Review status: criteria provided, single submitter. Criteria: Invitae Variant Classification Sherloc (09022015). Collection method: clinical testing. Allele origin: germline.

Fulgent Genetics
Classification: Uncertain significance for Fibromatosis, gingival, 1; Noonan syndrome 4. Last evaluated: 2021-10-01. Review status: criteria provided, single submitter. Criteria: ACMG Guidelines, 2015. Collection method: clinical testing. Allele origin: unknown.

Ambry Genetics
Classification: Uncertain significance for Cardiovascular phenotype. Last evaluated: 2019-06-11. Review status: criteria provided, single submitter. Criteria: Ambry Variant Classification Scheme 2023. Collection method: clinical testing. Allele origin: germline.
Comment: The p.H1175P variant (also known as c.3524A>C), located in coding exon 23 of the SOS1 gene, results from an A to C substitution at nucleotide position 3524. The histidine at codon 1175 is replaced by proline, an amino acid with similar properties. This amino acid position is highly conserved in available vertebrate species. In addition, this alteration is predicted to be tolerated by in silico analysis. Since supporting evidence is limited at this time, the clinical significance of this alteration remains unclear.

GeneDx
Classification: Uncertain significance. Last evaluated: 2017-12-04. Review status: criteria provided, single submitter. Criteria: GeneDx Variant Classification (06012015). Collection method: clinical testing. Allele origin: germline. Affected: yes.
Comment: The H1175P variant has not been published as a pathogenic variant, nor has it been reported as a benign variant to our knowledge. The H1175P variant is not observed at a significant frequency in large population cohorts (Lek et al., 2016). The H1175P variant is a non-conservative amino acid substitution, which is likely to impact secondary protein structure as these residues differ in polarity, charge, size and/or other properties. In-silico analyses, including protein predictors and evolutionary conservation, support that this variant does not alter protein structure/function. However, the SOS1 gene is known to have a low rate of benign missense variation. In summary, based on the currently available information, it is unclear whether this variant is a pathogenic variant or a rare benign variant.

Women's Health and Genetics/Laboratory Corporation of America, LabCorp
Classification: Uncertain significance. Last evaluated: 2017-02-27. Review status: criteria provided, single submitter. Criteria: LabCorp Variant Classification Summary - May 2015. Collection method: clinical testing. Allele origin: germline.
Comment: Variant summary: The SOS1 c.3524A>C (p.His1175Pro) variant involves the alteration of a conserved nucleotide. 3/5 in silico tools predict a benign outcome for this variant. This variant is absent in 119768 control chromosomes. In addition, one clinical diagnostic laboratory classified this variant as uncertain significance. The variant of interest has not, to our knowledge, been reported in affected individuals via publications and/or reputable databases/clinical diagnostic laboratories; nor evaluated for functional impact by in vivo/vitro studies. Because of the absence of clinical information and the lack of functional studies, the variant is classified as a variant of uncertain significance (VUS) until additional information becomes available.

Genome-Nilou Lab
Classification: Uncertain significance for Noonan syndrome 4. Review status: criteria provided, single submitter. Criteria: ACMG Guidelines, 2015. Collection method: clinical testing. Allele origin: germline.

Genome-Nilou Lab
Classification: Uncertain significance for Fibromatosis, gingival, 1. Review status: criteria provided, single submitter. Criteria: ACMG Guidelines, 2015. Collection method: clinical testing. Allele origin: germline.